The following is an entry in ClinVar:

NM_001130823.3(DNMT1):c.453A>G (p.Arg151=)

Gene: DNMT1 (DNA methyltransferase 1; minus strand). Cytogenetic location: 19p13.2.
Variant type: single nucleotide variant.
Coding change: c.453A>G on transcript NM_001130823.3 (MANE Select); coding-DNA position 453, A replaced by G.
Protein change: p.Arg151=; no amino-acid change (arginine 151 retained).
Molecular consequence: synonymous variant. On other transcripts: intron variant (2).
Genome position (GRCh38, 1-based): chr19:10,180,227, T>C on the plus strand (A>G on the coding strand, the complement: DNMT1 is on the minus strand). VCF-style: chr19-10180227-T-C. GRCh37 (hg19) VCF-style: chr19-10290903-T-C.
Other names: c.90A>G, p.Arg30= (NM_001318731.2); c.445+123A>G (NM_001379.4, NM_001318730.2).
Identifiers: ClinVar variation 3391455 (VCV003391455.1).
Genomic context (GRCh38, chr19:10,180,227, plus strand): 5'-CTGGGTGTGGTGGCACATACCTCTAATCCCAGTTACTTGGGAGGCTGAGGCAGGAGGGTC[T>C]CTTGAACCTGGGAGGCAGAGGTTACAGTGAGCCGAGGTTACACCACTGTGCTCCAGACTG-3'
Protein context (NP_001124295.1, residues 141-161): SKSDGEAKRS[Arg151=]DPPASASQVT

ClinVar aggregate classification (germline): Uncertain significance (1 of 4 stars; one submission).

gnomAD v4.1: 4 of 1,202,414 alleles (0.00033%); highest among the groups gnomAD compares: African/African-American, 0.0045%; no homozygotes.

Submission:

GeneDx
Classification: Uncertain significance. Last evaluated: 2024-06-13. Review status: criteria provided, single submitter. Criteria: GeneDx Variant Classification Process June 2021. Collection method: clinical testing. Allele origin: germline. Affected: yes.
Comment: Not observed at significant frequency in large population cohorts (gnomAD); In silico analysis indicates that this variant does not alter splicing; Has not been previously published as pathogenic or benign to our knowledge